The following is an entry in ClinVar:

NM_006379.5(SEMA3C):c.1778C>T (p.Ala593Val)

Gene: SEMA3C (semaphorin 3C; minus strand). Cytogenetic location: 7q21.11.
Variant type: single nucleotide variant.
Coding change: c.1778C>T on transcript NM_006379.5 (MANE Select); coding-DNA position 1778, C replaced by T.
Protein change: p.Ala593Val; replaces alanine 593 with valine.
Molecular consequence: missense variant.
Genome position (GRCh38, 1-based): chr7:80,748,962, G>A on the plus strand (C>T on the coding strand, the complement: SEMA3C is on the minus strand). VCF-style: chr7-80748962-G-A. GRCh37 (hg19) VCF-style: chr7-80378278-G-A.
Other names: c.1832C>T, p.Ala611Val (NM_001350120.2); c.1604C>T, p.Ala535Val (NM_001350121.2); short protein forms A611V, A535V, A593V.
Identifiers: ClinVar variation 4991756 (VCV004991756.1).
Genomic context (GRCh38, chr7:80,748,962, plus strand): 5'-TTCCTCCTGTCTTTGTCTTTCTGTAACAGCCACTTGATAGATGCCTGCGGAGACTTGGGG[G>A]CACACTCCAGAAAAGTGGTGTTATTTTTTACTCCATACTGGACAATTTCAGCTGCATTTC-3'
Protein context (NP_006370.1, residues 583-603): VKNNTTFLEC[Ala593Val]PKSPQASIKW

ClinVar aggregate classification (germline): Uncertain significance (1 of 4 stars; one submission).

Conditions:
SEMA3C-related disorder. Also called: SEMA3C-related condition.

gnomAD v4.1: 2 of 1,613,180 alleles (0.00012%); highest among the groups gnomAD compares: Non-Finnish European, 0.00017%; no homozygotes.

Submission:

PreventionGenetics, part of Exact Sciences
Classification: Uncertain significance for SEMA3C-related condition. Last evaluated: 2026-07-13. Review status: criteria provided, single submitter. Criteria: ACMG Guidelines, 2015. Collection method: clinical testing. Allele origin: germline.
Comment: The SEMA3C c.1832C>T variant is predicted to result in the amino acid substitution p.Ala611Val. To our knowledge, this variant has not been reported in the literature or in a large population database (gnomAD), indicating this variant is rare. At this time, the clinical significance of this variant is uncertain due to the absence of conclusive functional and genetic evidence.